The following is an entry in ClinVar:

ClinVar aggregate classification (germline): Uncertain significance (1 of 4 stars; one submission).

Submission:

Labcorp Genetics (formerly Invitae), Labcorp
Classification: Uncertain significance. Last evaluated: 2025-11-28. Review status: criteria provided, single submitter. Criteria: Invitae Variant Classification Sherloc (09022015). Collection method: clinical testing. Allele origin: germline.
Comment: This sequence change replaces lysine, which is basic and polar, with methionine, which is neutral and non-polar, at codon 535 of the GUCY2C protein (p.Lys535Met). This variant is not present in population databases (gnomAD no frequency). This variant has not been reported in the literature in individuals affected with GUCY2C-related conditions. An algorithm developed to predict the effect of missense changes on protein structure and function (PolyPhen-2) suggests that this variant is likely to be disruptive. Algorithms developed to predict the effect of sequence changes on RNA splicing suggest that this variant may disrupt the consensus splice site. In summary, the available evidence is currently insufficient to determine the role of this variant in disease. Therefore, it has been classified as a Variant of Uncertain Significance.

NM_004963.4(GUCY2C):c.1604A>T (p.Lys535Met)

Gene: GUCY2C (guanylate cyclase 2C; minus strand). Cytogenetic location: 12p12.3.
Variant type: single nucleotide variant.
Coding change: c.1604A>T on transcript NM_004963.4 (MANE Select); coding-DNA position 1604, A replaced by T.
Protein change: p.Lys535Met; replaces lysine 535 with methionine.
Molecular consequence: missense variant.
Genome position (GRCh38, 1-based): chr12:14,651,960, T>A on the plus strand (A>T on the coding strand, the complement: GUCY2C is on the minus strand). VCF-style: chr12-14651960-T-A. GRCh37 (hg19) VCF-style: chr12-14804894-T-A.
Other names: short protein forms K535M.
Identifiers: ClinVar variation 4771584 (VCV004771584.1).